The following is an entry in ClinVar:

NM_002397.5(MEF2C):c.-26C>T

Gene: MEF2C (myocyte enhancer factor 2C; minus strand). Cytogenetic location: 5q14.3.
Variant type: single nucleotide variant.
Coding change: c.-26C>T on transcript NM_002397.5 (MANE Select); 26 bases upstream of the start codon, C replaced by T.
Molecular consequence: 5 prime UTR variant.
Genome position (GRCh38, 1-based): chr5:88,823,814, G>A on the plus strand (C>T on the coding strand, the complement: MEF2C is on the minus strand). VCF-style: chr5-88823814-G-A. GRCh37 (hg19) VCF-style: chr5-88119631-G-A.
Other names: -26C-T, 5-PRIME UTR; c.-26C>T (NM_002397.4, NM_001131005.2, NM_001193347.1 and 30 more transcripts).
Identifiers: ClinVar variation 1272071 (VCV001272071.9), dbSNP rs758320958, ClinGen allele CA2499217980.
Genomic context (GRCh38, chr5:88,823,814, plus strand): 5'-ATAATCCTCGTAATCTGAATCTTTTTTCTCCCCATAGTCCCCGTTTTTCTTCTCTCTCTC[G>A]TCCCTGAAATTATGTATTTTTTCCTTCCTTTTCTTTCTCTTTCCTGTTTCCTCCAAACAA-3'

ClinVar aggregate classification (germline): Pathogenic. Review status: criteria provided, multiple submitters, no conflicts (2 of 4 stars). 4 submissions from 4 submitters: Pathogenic (3). 1 of the submissions does not count toward it. Last evaluated 2025-12-23.

Conditions:
Neurodevelopmental disorder with hypotonia, stereotypic hand movements, and impaired language. Also called: Intellectual disability, autosomal dominant 20. Identifiers: Orphanet 228384, Orphanet 664410, MedGen C3150700, MONDO:0013266, OMIM 613443.
Inborn genetic diseases. Identifiers: MedGen C0950123, MeSH D030342.

Submissions (4):

GeneDx
Classification: Pathogenic. Last evaluated: 2025-12-23. Review status: criteria provided, single submitter. Criteria: GeneDx Variant Classification Process June 2021. Collection method: clinical testing. Allele origin: germline.
Comment: Predicted to create ATG start codon in the 5UTR; Not observed at significant frequency in large population cohorts (gnomAD); This variant is associated with the following publications: (PMID: 34022131)

Ambry Genetics
Classification: Pathogenic for Inborn genetic diseases. Last evaluated: 2023-02-15. Review status: criteria provided, single submitter. Criteria: Ambry Variant Classification Scheme 2023. Collection method: clinical testing. Allele origin: germline.
Comment: The c.-26C>T alteration is located in the 5' untranslated region (5'UTR) of the MEF2C gene. This alteration results from a C to T substitution 26 nucleotides upstream from the first translated codon and creates a possible novel start codon in the 5'UTR. If translation begins at the novel start codon, this will result in an N-terminal elongation of 9 amino acids (Wright, 2021). This variant was not reported in population-based cohorts in the Genome Aggregation Database (gnomAD). This variant was reported de novo in multiple individuals with features consistent with MEF2C-related neurodevelopmental disorder (Wright, 2021). This nucleotide position is not well conserved in available vertebrate species. MEF2C is a transcription factor. A transactivation assay showed this alteration significantly decreased activation of target gene transcription compared to the wild-type (Wright, 2021). Based on the available evidence, this alteration is classified as pathogenic.

Institute of Human Genetics, University of Leipzig Medical Center
Classification: Pathogenic for Neurodevelopmental disorder with hypotonia, stereotypic hand movements, and impaired language. Last evaluated: 2022-11-17. Review status: criteria provided, single submitter. Criteria: ACMG Guidelines, 2015. Collection method: clinical testing. Allele origin: de novo. Affected: yes.
Comment: _x000D_This variant was identified as de novo (maternity and paternity confirmed). Criteria applied: PS2, PS3, PS4_MOD, PM4, PM2_SUP

OMIM
Classification: Pathogenic for NEURODEVELOPMENTAL DISORDER WITH HYPOTONIA, STEREOTYPIC HAND MOVEMENTS, AND IMPAIRED LANGUAGE. Last evaluated: 2021-12-02. Review status: no assertion criteria provided. Collection method: literature only. Allele origin: germline. Not counted in ClinVar's aggregate classification.

Literature cited by the submitters: PubMed 34022131 (cited by Ambry Genetics and OMIM).